The following is an entry in ClinVar:

ClinVar aggregate classification (germline): Benign/Likely benign. Review status: criteria provided, multiple submitters, no conflicts (2 of 4 stars). 9 submissions from 6 submitters: Benign (5); Likely benign (4). Last evaluated 2026-01-28.

Conditions:
Early-onset myopathy with fatal cardiomyopathy (CMYO5). Also called: CONGENITAL MYOPATHY 5 WITH CARDIOMYOPATHY; Salih Myopathy. Identifiers: Orphanet 289377, MedGen C2673677, MONDO:0012714, OMIM 611705. Disease mechanism: loss of function.
Tibial muscular dystrophy (TMD). Also called: Tibial muscular dystrophy, tardive; UDD MYOPATHY; Udd Distal Myopathy – Tibial Muscular Dystrophy. Identifiers: Orphanet 609, MedGen C1838244, MONDO:0010870, OMIM 600334.
Cardiovascular phenotype. Identifiers: MedGen CN230736.
Autosomal recessive limb-girdle muscular dystrophy type 2J (LGMDR10). Also called: Limb-girdle muscular dystrophy, type 2J; MUSCULAR DYSTROPHY, LIMB-GIRDLE, AUTOSOMAL RECESSIVE 10. Identifiers: Orphanet 140922, MedGen C1837342, MONDO:0012127, OMIM 608807.
Dilated cardiomyopathy 1G (CMD1G). Identifiers: Orphanet 154, MedGen C1858763, MONDO:0011400, OMIM 604145.
Myopathy, myofibrillar, 9, with early respiratory failure (MFM9). Also called: Hereditary myopathy with early respiratory failure; EDSTROM MYOPATHY; MYOPATHY, PROXIMAL, WITH EARLY RESPIRATORY MUSCLE INVOLVEMENT; Myopathy, distal, with early respiratory failure, autosomal dominant. Identifiers: Orphanet 178464, Orphanet 34521, MedGen C1863599, MONDO:0011362, OMIM 603689.

Allele frequency attached by ClinVar (database versions not stated): TOPMed below 0.00001; gnomAD exomes 0.00001; ExAC 0.00002; gnomAD 0.00003 and 0.00005.
gnomAD v4.1: 29 of 1,614,104 alleles (0.0018%); highest among the groups gnomAD compares: East Asian, 0.011%; no homozygotes.

Submissions (9):

Labcorp Genetics (formerly Invitae), Labcorp
Classification: Likely benign for Dilated cardiomyopathy 1G; Autosomal recessive limb-girdle muscular dystrophy type 2J. Last evaluated: 2026-01-28. Review status: criteria provided, single submitter. Criteria: Invitae Variant Classification Sherloc (09022015). Collection method: clinical testing. Allele origin: germline.

Blueprint Genetics
Classification: Likely benign. Last evaluated: 2024-10-14. Review status: criteria provided, single submitter. Criteria: ACMG Guidelines, 2015. Collection method: clinical testing. Allele origin: germline.

Genome-Nilou Lab
Classification: Benign for Autosomal recessive limb-girdle muscular dystrophy type 2J. Last evaluated: 2021-09-10. Review status: criteria provided, single submitter. Criteria: ACMG Guidelines, 2015. Collection method: clinical testing. Allele origin: germline. Affected: no.

Genome-Nilou Lab
Classification: Benign for Myopathy, myofibrillar, 9, with early respiratory failure. Last evaluated: 2021-09-10. Review status: criteria provided, single submitter. Criteria: ACMG Guidelines, 2015. Collection method: clinical testing. Allele origin: germline. Affected: no.

Genome-Nilou Lab
Classification: Benign for Early-onset myopathy with fatal cardiomyopathy. Last evaluated: 2021-09-10. Review status: criteria provided, single submitter. Criteria: ACMG Guidelines, 2015. Collection method: clinical testing. Allele origin: germline. Affected: no.

Genome-Nilou Lab
Classification: Benign for Tibial muscular dystrophy. Last evaluated: 2021-09-10. Review status: criteria provided, single submitter. Criteria: ACMG Guidelines, 2015. Collection method: clinical testing. Allele origin: germline. Affected: no.

Ambry Genetics
Classification: Likely benign for Cardiovascular phenotype. Last evaluated: 2016-01-06. Review status: criteria provided, single submitter. Criteria: Ambry Variant Classification Scheme 2023. Collection method: clinical testing. Allele origin: germline.

GeneDx
Classification: Benign. Last evaluated: 2014-12-19. Review status: criteria provided, single submitter. Criteria: GeneDx Variant Classification (06012015). Collection method: clinical testing. Allele origin: germline. Affected: yes.
Comment: This variant is considered likely benign or benign based on one or more of the following criteria: it is a conservative change, it occurs at a poorly conserved position in the protein, it is predicted to be benign by multiple in silico algorithms, and/or has population frequency not consistent with disease.

Laboratory for Molecular Medicine, Mass General Brigham Personalized Medicine
Classification: Likely benign. Last evaluated: 2014-05-01. Review status: criteria provided, single submitter. Criteria: LMM Criteria. Collection method: clinical testing. Allele origin: germline. Observed: 1 variant allele.
Comment: Val760Val in exon 14 of TTN: This variant is not expected to have clinical signi ficance because it does not alter an amino acid residue and is not located withi n the splice consensus sequence.

NM_001267550.2(TTN):c.2280C>T (p.Val760=)

Gene: TTN (titin; minus strand). Cytogenetic location: 2q31.2.
Variant type: single nucleotide variant.
Coding change: c.2280C>T on transcript NM_001267550.2 (MANE Select); coding-DNA position 2280, C replaced by T.
Protein change: p.Val760=; no amino-acid change (valine 760 retained).
Molecular consequence: synonymous variant.
Genome position (GRCh38, 1-based): chr2:178,785,938, G>A on the plus strand (C>T on the coding strand, the complement: TTN is on the minus strand). VCF-style: chr2-178785938-G-A. GRCh37 (hg19) VCF-style: chr2-179650665-G-A.
Other names: p.V760V:GTC>GTT; c.2280C>T, p.Val760= (NM_001256850.1, NM_133378.4, NM_133379.5); c.2142C>T, p.Val714= (NM_003319.4, NM_133432.3, NM_133437.4).
Identifiers: ClinVar variation 179649 (VCV000179649.23), dbSNP rs727505021, ClinGen allele CA295831.